The following is an entry in ClinVar:

ClinVar aggregate classification (germline): Pathogenic (1 of 4 stars; one submission).

Conditions:
Aortic aneurysm, familial thoracic 4 (AAT4). Also called: AORTIC ANEURYSM/AORTIC DISSECTION AND PATENT DUCTUS ARTERIOSUS. Identifiers: MedGen C1851504, MONDO:0007568, OMIM 132900.

Submission:

Labcorp Genetics (formerly Invitae), Labcorp
Classification: Pathogenic for Aortic aneurysm, familial thoracic 4. Last evaluated: 2019-05-08. Review status: criteria provided, single submitter. Criteria: Invitae Variant Classification Sherloc (09022015). Collection method: clinical testing. Allele origin: germline.
Comment: This variant has not been reported in the literature in individuals with MYH11-related conditions. For these reasons, this variant has been classified as Pathogenic. Loss-of-function variants in MYH11 are known to be pathogenic (PMID: 25407000, 29575632). This variant is not present in population databases (ExAC no frequency). This sequence change creates a premature translational stop signal (p.Gln1210Profs*22) in the MYH11 gene. It is expected to result in an absent or disrupted protein product.

Literature cited by the submitters: PubMed 25407000; PubMed 29575632.

NM_002474.3(MYH11):c.3603_3607dup (p.Gln1203fs)

Gene: MYH11 (myosin heavy chain 11; minus strand). Cytogenetic location: 16p13.11.
Variant type: Duplication.
Coding change: c.3603_3607dup on transcript NM_002474.3 (MANE Select); coding-DNA positions 3603 to 3607, 5 bases duplicated (CGCAC; older notation c.3603_3607dupCGCAC).
Protein change: p.Gln1203fs; shifts the reading frame from glutamine 1203.
Molecular consequence: frameshift variant.
Genome position (GRCh38, 1-based): chr16:15,732,608-15,732,612, GTGCG duplicated on the plus strand (CGCAC on the coding strand, the reverse complement: MYH11 is on the minus strand). VCF-style (leftmost placement, unchanged base first): chr16-15732607-T-TGTGCG. GRCh37 (hg19) VCF-style: chr16-15826464-T-TGTGCG.
Other names: c.3624_3628dup, p.Gln1210fs (NM_001040113.2, NM_001040114.2); c.3603_3607dup, p.Gln1203fs (NM_022844.3); short protein forms Q1203fs, Q1210fs.
Identifiers: ClinVar variation 948149 (VCV000948149.7), dbSNP rs2041000390, ClinGen allele CA1139664542.